The following is an entry in ClinVar:

ClinVar aggregate classification (germline): Likely pathogenic. Review status: criteria provided, multiple submitters, no conflicts (2 of 4 stars). 2 submissions from 2 submitters: Likely pathogenic (2). Last evaluated 2026-01-05.

Conditions:
Hirschsprung disease, susceptibility to, 1 (HSCR1). Also called: RET-Related Hirschsprung Disease. Identifiers: Orphanet 388, MedGen C3888239, MONDO:0007723, OMIM 142623.
Familial medullary thyroid carcinoma (MTC). Also called: Thyroid cancer, familial medullary; MTC, familial; Familial Medullary Thyroid Carcinoma (FMTC). Identifiers: Orphanet 653, Orphanet 99361, MedGen C1833921, MONDO:0007958, OMIM 155240.
Hereditary cancer-predisposing syndrome. Also called: Tumor predisposition; Hereditary Cancer Syndrome; Hereditary neoplastic syndrome; Neoplastic Syndromes, Hereditary. Identifiers: Orphanet 140162, MedGen C0027672, MeSH D009386, MONDO:0015356.

Submissions (2):

Ambry Genetics
Classification: Likely pathogenic for Hereditary cancer-predisposing syndrome. Last evaluated: 2026-01-05. Review status: criteria provided, single submitter. Criteria: Ambry Variant Classification Scheme 2023. Collection method: clinical testing. Allele origin: germline.
Comment: The p.F555C variant (also known as c.1664T>G), located in coding exon 9 of the RET gene, results from a T to G substitution at nucleotide position 1664. The phenylalanine at codon 555 is replaced by cysteine, an amino acid with highly dissimilar properties. This variant has been detected in at least one family meeting clinical criteria for MEN2 where the variant segregated with the disease in five individuals tested (Ambry internal data). This variant is considered to be rare based on population cohorts in the Genome Aggregation Database (gnomAD). This amino acid position is well conserved through mammals but not in all available vertebrate species. In addition, the in silico prediction for this alteration is inconclusive. Based on the supporting evidence, this alteration is likely pathogenic for MEN2; however, the association of this alteration with Hirschsprung disease is unknown.

Molecular Genetics and NGS Laboratory, Hospital Fundacion Valle Del Lili
Classification: Likely pathogenic for Familial medullary thyroid carcinoma; Hirschsprung disease, susceptibility to, 1. Last evaluated: 2024-01-26. Review status: criteria provided, single submitter. Criteria: ACMG Guidelines, 2015. Collection method: clinical testing. Allele origin: germline. Affected: yes. Observed: 1 variant allele.

NM_020975.6(RET):c.1664T>G (p.Phe555Cys)

Gene: RET (ret proto-oncogene; plus strand). Cytogenetic location: 10q11.21.
Variant type: single nucleotide variant.
Coding change: c.1664T>G on transcript NM_020975.6 (MANE Select); coding-DNA position 1664, T replaced by G.
Protein change: p.Phe555Cys; replaces phenylalanine 555 with cysteine.
Molecular consequence: missense variant.
Genome position (GRCh38, 1-based): chr10:43,112,868, T>G. VCF-style: chr10-43112868-T-G. GRCh37 (hg19) VCF-style: chr10-43608316-T-G.
Other names: p.Phe555Cys; c.1664T>G, p.Phe555Cys (NM_000323.2, NM_001406743.1, NM_001406744.1 and 6 more transcripts); c.902T>G, p.Phe301Cys (NM_001355216.2); c.1226T>G, p.Phe409Cys (NM_001406771.1, NM_001406773.1); c.1268T>G, p.Phe423Cys (NM_001406772.1, NM_001406769.1); c.1139T>G, p.Phe380Cys (NM_001406774.1); c.938T>G, p.Phe313Cys (NM_001406775.1, NM_001406776.1, NM_001406777.1 and 1 more transcripts); c.767T>G, p.Phe256Cys (NM_001406779.1, NM_001406780.1, NM_001406781.1 and 3 more transcripts); and 6 more; short protein forms F213C, F423C, F459C, F512C, F555C, F72C, F301C, F256C.
Identifiers: ClinVar variation 1777553 (VCV001777553.6), dbSNP rs2538470328, ClinGen allele CA376551792.
Genomic context (GRCh38, chr10:43,112,868, plus strand): 5'-GCGGGGCTCCCACATGGGTGACAGCCTGCTGTGTGTCCTGTGCAGGGATCACCAGGAACT[T>G]CTCCACCTGCTCTCCCAGCACCAAGACCTGCCCCGACGGCCACTGCGATGTTGTGGAGAC-3'
Protein context (NP_066124.1, residues 545-565): QGDGKGITRN[Phe555Cys]STCSPSTKTC